The following is an entry in ClinVar:

NM_139076.3(ABRAXAS1):c.278A>G (p.Lys93Arg)

Gene: ABRAXAS1 (abraxas 1, BRCA1 A complex subunit; minus strand). Cytogenetic location: 4q21.23.
Variant type: single nucleotide variant.
Coding change: c.278A>G on transcript NM_139076.3 (MANE Select); coding-DNA position 278, A replaced by G.
Protein change: p.Lys93Arg; replaces lysine 93 with arginine.
Molecular consequence: missense variant. On other transcripts: intron variant (1).
Genome position (GRCh38, 1-based): chr4:83,472,226, T>C on the plus strand (A>G on the coding strand, the complement: ABRAXAS1 is on the minus strand). VCF-style: chr4-83472226-T-C. GRCh37 (hg19) VCF-style: chr4-84393379-T-C.
Other names: c.-45-1830A>G (NM_001345962.2); short protein forms K93R.
Identifiers: ClinVar variation 1800334 (VCV001800334.5), dbSNP rs1230543521, ClinGen allele CA357261024.

ClinVar aggregate classification (germline): Uncertain significance. Review status: criteria provided, multiple submitters, no conflicts (2 of 4 stars). 2 submissions from 2 submitters: Uncertain significance (2). Last evaluated 2022-12-01.

Allele frequency attached by ClinVar (database versions not stated): gnomAD exomes below 0.00001; gnomAD 0.00001; TOPMed 0.00001.
gnomAD v4.1: 5 of 1,517,888 alleles (0.00033%); highest among the groups gnomAD compares: African/African-American, 0.0014%; no homozygotes.

Submissions (2):

Labcorp Genetics (formerly Invitae), Labcorp
Classification: Uncertain significance. Last evaluated: 2022-12-01. Review status: criteria provided, single submitter. Criteria: Invitae Variant Classification Sherloc (09022015). Collection method: clinical testing. Allele origin: germline.
Comment: This sequence change replaces lysine, which is basic and polar, with arginine, which is basic and polar, at codon 93 of the ABRAXAS1 protein (p.Lys93Arg). Advanced modeling of protein sequence and biophysical properties (such as structural, functional, and spatial information, amino acid conservation, physicochemical variation, residue mobility, and thermodynamic stability) performed at Invitae indicates that this missense variant is not expected to disrupt ABRAXAS1 protein function. This variant has not been reported in the literature in individuals affected with ABRAXAS1-related conditions. This variant is present in population databases (no rsID available, gnomAD 0.006%). In summary, the available evidence is currently insufficient to determine the role of this variant in disease. Therefore, it has been classified as a Variant of Uncertain Significance.

Ambry Genetics
Classification: Uncertain significance. Last evaluated: 2022-05-12. Review status: criteria provided, single submitter. Criteria: Ambry Variant Classification Scheme 2023. Collection method: clinical testing. Allele origin: germline.
Comment: The p.K93R variant (also known as c.278A>G), located in coding exon 4 of the FAM175A gene, results from an A to G substitution at nucleotide position 278. The lysine at codon 93 is replaced by arginine, an amino acid with highly similar properties. This amino acid position is conserved. In addition, this alteration is predicted to be tolerated by in silico analysis. Since supporting evidence is limited at this time, the clinical significance of this alteration remains unclear.